The following is an entry in ClinVar:

NM_006445.4(PRPF8):c.1290-10A>G

Gene: PRPF8 (pre-mRNA processing factor 8; minus strand). Cytogenetic location: 17p13.3.
Variant type: single nucleotide variant.
Coding change: c.1290-10A>G on transcript NM_006445.4 (MANE Select); 10 bases into the intron before coding-DNA position 1290, A replaced by G.
Molecular consequence: intron variant.
Genome position (GRCh38, 1-based): chr17:1,679,420, T>C on the plus strand (A>G on the coding strand, the complement: PRPF8 is on the minus strand). VCF-style: chr17-1679420-T-C. GRCh37 (hg19) VCF-style: chr17-1582714-T-C.
Identifiers: ClinVar variation 321910 (VCV000321910.16), dbSNP rs73291009, ClinGen allele CA8272374.

ClinVar aggregate classification (germline): Benign. Review status: criteria provided, multiple submitters, no conflicts (2 of 4 stars). 4 submissions from 4 submitters: Benign (4). Last evaluated 2026-02-01.

Conditions:
Retinitis pigmentosa (RP). Identifiers: Orphanet 791, MedGen C0035334, MeSH D012174, MONDO:0019200, OMIM 268000. Inheritance: Autosomal dominant, autosomal recessive and X linked inheritance.
Retinitis pigmentosa 13 (RP13). Also called: PRPF 8-Related Retinitis Pigmentosa. Identifiers: Orphanet 791, MedGen C1838702, MONDO:0010806, OMIM 600059.

Allele frequency attached by ClinVar (database versions not stated): gnomAD 0.01904 and 0.01766; 1000 Genomes Project 30x 0.01921; TOPMed 0.01999; ESP Exome Variant Server 0.02061; gnomAD exomes 0.00165 and 0.00445; ExAC 0.00563; 1000 Genomes Project 0.01737.
gnomAD v4.1: 5,168 of 1,610,852 alleles (0.32%); highest among the groups gnomAD compares: African/African-American, 6.1%; 168 homozygotes.

Submissions (4):

Labcorp Genetics (formerly Invitae), Labcorp
Classification: Benign. Last evaluated: 2026-02-01. Review status: criteria provided, single submitter. Criteria: Invitae Variant Classification Sherloc (09022015). Collection method: clinical testing. Allele origin: germline.

Fulgent Genetics
Classification: Benign for Retinitis pigmentosa 13. Last evaluated: 2021-10-14. Review status: criteria provided, single submitter. Criteria: ACMG Guidelines, 2015. Collection method: clinical testing. Allele origin: unknown.

Illumina Laboratory Services, Illumina
Classification: Benign for Retinitis pigmentosa. Last evaluated: 2018-01-12. Review status: criteria provided, single submitter. Criteria: ICSL Variant Classification Criteria 13 December 2019. Collection method: clinical testing. Allele origin: germline.
Comment: This variant was observed in the ICSL laboratory as part of a predisposition screen in an ostensibly healthy population. It had not been previously curated by ICSL or reported in the Human Gene Mutation Database (HGMD: prior to June 1st, 2018), and was therefore a candidate for classification through an automated scoring system. Utilizing variant allele frequency, disease prevalence and penetrance estimates, and inheritance mode, an automated score was calculated to assess if this variant is too frequent to cause the disease. Based on the score and internal cut-off values, a variant classified as benign is not then subjected to further curation. The score for this variant resulted in a classification of benign for this disease.

Breakthrough Genomics
Classification: Benign. Review status: criteria provided, single submitter. Criteria: ACMG Guidelines, 2015. Collection method: not provided. Allele origin: germline. Inheritance: Autosomal dominant inheritance. Affected: yes.